The following is an entry in ClinVar:

NM_001148.6(ANK2):c.10358G>C (p.Cys3453Ser)

Gene: ANK2 (ankyrin 2; plus strand). Cytogenetic location: 4q26.
Variant type: single nucleotide variant.
Coding change: c.10358G>C on transcript NM_001148.6 (MANE Select); coding-DNA position 10358, G replaced by C.
Protein change: p.Cys3453Ser; replaces cysteine 3453 with serine.
Molecular consequence: missense variant. On other transcripts: intron variant (68).
Genome position (GRCh38, 1-based): chr4:113,358,976, G>C. VCF-style: chr4-113358976-G-C. GRCh37 (hg19) VCF-style: chr4-114280132-G-C.
Other names: c.4241-1847G>C (NM_001354276.2, NM_001354267.2, NM_001386162.1 and 2 more transcripts); c.4208-1847G>C (NM_001386146.1, NM_001386150.1, NM_001386149.1 and 1 more transcripts); c.4193-1847G>C (NM_001354274.2, NM_001386154.1); c.4142-1847G>C (NM_001386151.1, NM_001354260.2, NM_001354271.2); c.4043-1847G>C (NM_001386157.1, NM_001354277.2); c.4361-1847G>C (NM_001386161.1, NM_001354244.2, NM_001354256.2); c.4286-1847G>C (NM_001354261.2); c.4166-1847G>C (NM_001386156.1, NM_001354257.2); and 35 more; short protein forms C3453S, C2253S, C3375S, C3492S, C3500S.
Identifiers: ClinVar variation 457011 (VCV000457011.5), dbSNP rs1554572092, ClinGen allele CA357940237.

ClinVar aggregate classification (germline): Uncertain significance (1 of 4 stars; one submission).

Conditions:
Long QT syndrome (LQTS). Identifiers: MedGen C0023976, MeSH D008133, MONDO:0002442. Disease mechanism: loss of function. Inheritance: Various modes of inheritance.

Allele frequency attached by ClinVar (database versions not stated): gnomAD 0.00001; TOPMed 0.00001.
gnomAD v4.1: 2 of 1,613,962 alleles (0.00012%); highest among the groups gnomAD compares: Non-Finnish European, 0.000085%; no homozygotes.

Submission:

Labcorp Genetics (formerly Invitae), Labcorp
Classification: Uncertain significance for Long QT syndrome. Last evaluated: 2025-08-17. Review status: criteria provided, single submitter. Criteria: Invitae Variant Classification Sherloc (09022015). Collection method: clinical testing. Allele origin: germline.
Comment: This sequence change replaces cysteine, which is neutral and slightly polar, with serine, which is neutral and polar, at codon 3453 of the ANK2 protein (p.Cys3453Ser). This variant is not present in population databases (gnomAD no frequency). This variant has not been reported in the literature in individuals affected with ANK2-related conditions. ClinVar contains an entry for this variant (Variation ID: 457011). An algorithm developed to predict the effect of missense changes on protein structure and function outputs the following: PolyPhen-2: "Benign". The serine amino acid residue is found in multiple mammalian species, which suggests that this missense change does not adversely affect protein function. In summary, the available evidence is currently insufficient to determine the role of this variant in disease. Therefore, it has been classified as a Variant of Uncertain Significance.